The following is an entry in ClinVar:

ClinVar aggregate classification (germline): Conflicting classifications of pathogenicity. Review status: criteria provided, conflicting classifications (1 of 4 stars). 2 submissions from 2 submitters: Uncertain significance (1); Likely benign (1). Last evaluated 2022-10-13.

Allele frequency attached by ClinVar (database versions not stated): gnomAD exomes below 0.00001 and 0.00002; gnomAD 0.00003 and 0.00004; TOPMed 0.00003.
gnomAD v4.1: 14 of 1,590,782 alleles (0.00088%); highest among the groups gnomAD compares: African/African-American, 0.0014%; no homozygotes.

Submissions (2):

Blueprint Genetics
Classification: Likely benign. Last evaluated: 2022-10-13. Review status: criteria provided, single submitter. Criteria: ACMG Guidelines, 2015. Collection method: clinical testing. Allele origin: germline.

Labcorp Genetics (formerly Invitae), Labcorp
Classification: Uncertain significance. Last evaluated: 2022-10-13. Review status: criteria provided, single submitter. Criteria: Invitae Variant Classification Sherloc (09022015). Collection method: clinical testing. Allele origin: germline.
Comment: This sequence change falls in intron 13 of the IFT81 gene. It does not directly change the encoded amino acid sequence of the IFT81 protein. It affects a nucleotide within the consensus splice site. This variant is present in population databases (no rsID available, gnomAD 0.0009%). This variant has not been reported in the literature in individuals affected with IFT81-related conditions. ClinVar contains an entry for this variant (Variation ID: 1412972). Variants that disrupt the consensus splice site are a relatively common cause of aberrant splicing (PMID: 17576681, 9536098). Algorithms developed to predict the effect of sequence changes on RNA splicing suggest that this variant is not likely to affect RNA splicing. In summary, the available evidence is currently insufficient to determine the role of this variant in disease. Therefore, it has been classified as a Variant of Uncertain Significance.

Literature cited by the submitters: PubMed 17576681 (cited by Labcorp Genetics (formerly Invitae), Labcorp); PubMed 9536098 (cited by Labcorp Genetics (formerly Invitae), Labcorp).

NM_014055.4(IFT81):c.1467+6G>A

Gene: IFT81 (intraflagellar transport 81; plus strand). Cytogenetic location: 12q24.11.
Variant type: single nucleotide variant.
Coding change: c.1467+6G>A on transcript NM_014055.4 (MANE Select); 6 bases into the intron after coding-DNA position 1467, G replaced by A.
Molecular consequence: intron variant.
Genome position (GRCh38, 1-based): chr12:110,191,054, G>A. VCF-style: chr12-110191054-G-A. GRCh37 (hg19) VCF-style: chr12-110628859-G-A.
Other names: c.537+6G>A (NM_001347948.2, NM_001347947.2); c.1467+6G>A (NM_001143779.2).
Identifiers: ClinVar variation 1412972 (VCV001412972.7), dbSNP rs1472532911, ClinGen allele CA607556852.